The following is an entry in ClinVar:

NM_001330260.2(SCN8A):c.2982G>C (p.Met994Ile)

Gene: SCN8A (sodium voltage-gated channel alpha subunit 8; plus strand). Cytogenetic location: 12q13.13.
Variant type: single nucleotide variant.
Coding change: c.2982G>C on transcript NM_001330260.2 (MANE Select); coding-DNA position 2982, G replaced by C.
Protein change: p.Met994Ile; replaces methionine 994 with isoleucine.
Molecular consequence: missense variant.
Genome position (GRCh38, 1-based): chr12:51,768,945, G>C. VCF-style: chr12-51768945-G-C. GRCh37 (hg19) VCF-style: chr12-52162729-G-C.
Other names: c.2982G>C, p.Met994Ile (NM_001177984.3, NM_001369788.1, NM_014191.4); short protein forms M994I.
Identifiers: ClinVar variation 1721803 (VCV001721803.5), dbSNP rs2540265723, ClinGen allele CA384892037.

ClinVar aggregate classification (germline): Uncertain significance (1 of 4 stars; one submission).

Conditions:
Early-infantile DEE. Also called: Early infantile epileptic encephalopathy with suppression bursts; Early infantile epileptic encephalopathy; Ohtahara syndrome. Identifiers: Orphanet 1934, MedGen C0393706, MONDO:0800491.

Submission:

Labcorp Genetics (formerly Invitae), Labcorp
Classification: Uncertain significance for Early-infantile DEE. Last evaluated: 2022-10-18. Review status: criteria provided, single submitter. Criteria: Invitae Variant Classification Sherloc (09022015). Collection method: clinical testing. Allele origin: germline.
Comment: In summary, the available evidence is currently insufficient to determine the role of this variant in disease. Therefore, it has been classified as a Variant of Uncertain Significance. Advanced modeling of protein sequence and biophysical properties (such as structural, functional, and spatial information, amino acid conservation, physicochemical variation, residue mobility, and thermodynamic stability) performed at Invitae indicates that this missense variant is not expected to disrupt SCN8A protein function. This variant has not been reported in the literature in individuals affected with SCN8A-related conditions. This variant is not present in population databases (gnomAD no frequency). This sequence change replaces methionine, which is neutral and non-polar, with isoleucine, which is neutral and non-polar, at codon 994 of the SCN8A protein (p.Met994Ile).